The following is an entry in ClinVar:

NM_001395484.1(SPAG11A):c.217G>A (p.Asp73Asn)

Gene: SPAG11A (sperm associated antigen 11A; plus strand). Cytogenetic location: 8p23.1.
Variant type: single nucleotide variant.
Coding change: c.217G>A on transcript NM_001395484.1 (MANE Select); coding-DNA position 217, G replaced by A.
Protein change: p.Asp73Asn; replaces aspartic acid 73 with asparagine.
Molecular consequence: missense variant.
Genome position (GRCh38, 1-based): chr8:7,860,648, G>A. VCF-style: chr8-7860648-G-A. GRCh37 (hg19) VCF-style: chr8-7718170-G-A.
Other names: c.217G>A, p.Asp73Asn (NM_001081552.3); c.293G>A, p.Gly98Glu (NM_001363726.3); short protein forms D73N, G98E.
Identifiers: ClinVar variation 2658365 (VCV002658365.24), dbSNP rs145438337, ClinGen allele CA4616476.

ClinVar aggregate classification (germline): Likely benign (1 of 4 stars; one submission).

Allele frequency attached by ClinVar (database versions not stated): 1000 Genomes Project 0.00359; 1000 Genomes Project 30x 0.00437; ESP Exome Variant Server 0.00453; gnomAD 0.00518; ExAC 0.00543; gnomAD exomes 0.00612.
gnomAD v4.1: 8,656 of 1,444,506 alleles (0.6%); highest among the groups gnomAD compares: Non-Finnish European, 0.69%; 887 homozygotes.

Submission:

CeGaT Center for Human Genetics Tuebingen
Classification: Likely benign. Last evaluated: 2023-02-01. Review status: criteria provided, single submitter. Criteria: CeGaT Center For Human Genetics Tuebingen Variant Classification Criteria Version 2. Collection method: clinical testing. Allele origin: germline. Affected: yes. Observed: 2 variant alleles.
Comment: SPAG11A: PP2, BP4, BS2